The following is an entry in ClinVar:

ClinVar aggregate classification (germline): Likely benign (1 of 4 stars; one submission).

Allele frequency attached by ClinVar (database versions not stated): gnomAD exomes 0.00024; 1000 Genomes Project 30x 0.00031; ExAC 0.00031; 1000 Genomes Project 0.00040; TOPMed 0.00044; gnomAD 0.00047.
gnomAD v4.1: 462 of 1,613,760 alleles (0.029%); highest among the groups gnomAD compares: Admixed American, 0.13%; no homozygotes.

Submission:

CeGaT Center for Human Genetics Tuebingen
Classification: Likely benign. Last evaluated: 2025-12-01. Review status: criteria provided, single submitter. Criteria: CeGaT Center For Human Genetics Tuebingen Variant Classification Criteria Version 2. Collection method: clinical testing. Allele origin: germline. Affected: yes. Observed: 4 variant alleles.
Comment: FLG: BP4, BP7

NM_002016.2(FLG):c.4029G>A (p.Val1343=)

Genes: CCDST (cervical cancer associated DHX9 suppressive transcript; plus strand), FLG (filaggrin; minus strand). Cytogenetic location: 1q21.3.
Variant type: single nucleotide variant.
Coding change: c.4029G>A on transcript NM_002016.2 (MANE Select); coding-DNA position 4029, G replaced by A.
Protein change: p.Val1343=; no amino-acid change (valine 1343 retained).
Molecular consequence: synonymous variant.
Genome position (GRCh38, 1-based): chr1:152,310,857, C>T on the plus strand (G>A on the coding strand, the complement: FLG is on the minus strand). VCF-style: chr1-152310857-C-T. GRCh37 (hg19) VCF-style: chr1-152283333-C-T.
Identifiers: ClinVar variation 2639290 (VCV002639290.24), dbSNP rs554695637, ClinGen allele CA1106393.